The following is an entry in ClinVar:

ClinVar aggregate classification (germline): Likely benign (0 of 4 stars; one submission).

Conditions:
LRP1-related disorder. Also called: LRP1-related condition.

Allele frequency attached by ClinVar (database versions not stated): gnomAD 0.00001; TOPMed 0.00002.
gnomAD v4.1: 11 of 1,610,788 alleles (0.00068%); highest among the groups gnomAD compares: South Asian, 0.0011%; no homozygotes.

Submission:

PreventionGenetics, part of Exact Sciences
Classification: Likely benign for LRP1-related condition. Last evaluated: 2019-03-04. Review status: no assertion criteria provided. Collection method: clinical testing. Allele origin: germline.
Comment: This variant is classified as likely benign based on ACMG/AMP sequence variant interpretation guidelines (Richards et al. 2015 PMID: 25741868, with internal and published modifications).

NM_002332.3(LRP1):c.10347C>T (p.Pro3449=)

Gene: LRP1 (LDL receptor related protein 1; plus strand). Cytogenetic location: 12q13.3.
Variant type: single nucleotide variant.
Coding change: c.10347C>T on transcript NM_002332.3 (MANE Select); coding-DNA position 10347, C replaced by T.
Protein change: p.Pro3449=; no amino-acid change (proline 3449 retained).
Molecular consequence: synonymous variant.
Genome position (GRCh38, 1-based): chr12:57,201,498, C>T. VCF-style: chr12-57201498-C-T. GRCh37 (hg19) VCF-style: chr12-57595281-C-T.
Identifiers: ClinVar variation 3057246 (VCV003057246.2), dbSNP rs1423891630, ClinGen allele CA480388612.
Genomic context (GRCh38, chr12:57,201,498, plus strand): 5'-ATGGTGAACTGGAGTGGCAGGTGTAAGGGAGGGCCCTCATTCTCTTGCCCACCCCACAGC[C>T]GAGGTGACCTGCGCCCCCAACCAGTTCCAGTGCTCCATTACCAAACGGTGCATCCCCCGG-3'
Protein context (NP_002323.2, residues 3439-3459): CGDGEDERDC[Pro3449=]EVTCAPNQFQ